The following is an entry in ClinVar:

NM_006432.5(NPC2):c.79dup (p.Cys27fs)

Gene: NPC2 (NPC intracellular cholesterol transporter 2; minus strand). Cytogenetic location: 14q24.3.
Variant type: Duplication.
Coding change: c.79dup on transcript NM_006432.5 (MANE Select); coding-DNA position 79, one base duplicated (T; older notation c.79dupT).
Protein change: p.Cys27fs; shifts the reading frame from cysteine 27.
Molecular consequence: frameshift variant.
Genome position (GRCh38, 1-based): chr14:74,493,196, A duplicated on the plus strand (T on the coding strand, the reverse complement: NPC2 is on the minus strand). VCF-style (leftmost placement, unchanged base first): chr14-74493195-C-CA. GRCh37 (hg19) VCF-style: chr14-74959898-C-CA.
Other names: c.79dup, p.Cys27fs (NM_001363688.1, NM_001375440.1); short protein forms C27fs.
Identifiers: ClinVar variation 643285 (VCV000643285.6), dbSNP rs767899043, ClinGen allele CA7268208.

ClinVar aggregate classification (germline): Pathogenic (1 of 4 stars; one submission).

Conditions:
Niemann-Pick disease, type C2 (NPC2). Identifiers: Orphanet 646, MedGen C1843366, MONDO:0011873, OMIM 607625.

Allele frequency attached by ClinVar (database versions not stated): gnomAD exomes below 0.00001 and 0.00001; ExAC 0.00001.

Submission:

Labcorp Genetics (formerly Invitae), Labcorp
Classification: Pathogenic for Niemann-Pick disease, type C2. Last evaluated: 2024-09-10. Review status: criteria provided, single submitter. Criteria: Invitae Variant Classification Sherloc (09022015). Collection method: clinical testing. Allele origin: germline.
Comment: This sequence change creates a premature translational stop signal (p.Cys27Leufs*42) in the NPC2 gene. It is expected to result in an absent or disrupted protein product. Loss-of-function variants in NPC2 are known to be pathogenic (PMID: 25145893). This variant is present in population databases (rs767899043, gnomAD 0.0009%). This variant has not been reported in the literature in individuals affected with NPC2-related conditions. ClinVar contains an entry for this variant (Variation ID: 643285). For these reasons, this variant has been classified as Pathogenic.

Literature cited by the submitters: PubMed 25145893.